The following is an entry in ClinVar:

ClinVar aggregate classification (germline): Benign/Likely benign. Review status: criteria provided, multiple submitters, no conflicts (2 of 4 stars). 9 submissions from 9 submitters: Benign (5); Likely benign (4). Last evaluated 2026-02-04.

Conditions:
Noonan syndrome and Noonan-related syndrome. Identifiers: Orphanet 98733, MedGen C5681679, MONDO:0020297.
Noonan syndrome (NS). Also called: Noonan's syndrome. Identifiers: Orphanet 648, MedGen C0028326, MeSH D009634, MONDO:0018997. Disease mechanism: gain of function.

Allele frequency attached by ClinVar (database versions not stated): gnomAD exomes 0.00056 and 0.00190; gnomAD 0.00065 and 0.00094; TOPMed 0.00104; ExAC 0.00181; 1000 Genomes Project 30x 0.00500; 1000 Genomes Project 0.00519.
gnomAD v4.1: 996 of 1,610,426 alleles (0.062%); highest among the groups gnomAD compares: East Asian, 2%; 15 homozygotes.

Submissions (9):

Labcorp Genetics (formerly Invitae), Labcorp
Classification: Benign. Last evaluated: 2026-02-04. Review status: criteria provided, single submitter. Criteria: Invitae Variant Classification Sherloc (09022015). Collection method: clinical testing. Allele origin: germline.

Mayo Clinic Laboratories, Mayo Clinic
Classification: Benign. Last evaluated: 2025-09-10. Review status: criteria provided, single submitter. Criteria: ACMG Guidelines, 2015. Collection method: clinical testing. Allele origin: germline. Observed: 1 variant allele.
Comment: BA1, BS2, BP4, BP7

Blueprint Genetics
Classification: Likely benign. Last evaluated: 2024-11-25. Review status: criteria provided, single submitter. Criteria: ACMG Guidelines, 2015. Collection method: clinical testing. Allele origin: germline.

Department of Pathology and Laboratory Medicine, Sinai Health System
Classification: Likely benign for Noonan syndrome. Last evaluated: 2023-09-28. Review status: criteria provided, single submitter. Criteria: ACMG Guidelines, 2015. Collection method: clinical testing. Allele origin: germline. Affected: yes.

Genome Diagnostics Laboratory, The Hospital for Sick Children
Classification: Benign for Noonan syndrome and Noonan-related syndrome. Last evaluated: 2021-06-17. Review status: criteria provided, single submitter. Criteria: ACMG Guidelines, 2015. Collection method: clinical testing. Allele origin: germline.

GeneDx
Classification: Benign. Last evaluated: 2017-12-14. Review status: criteria provided, single submitter. Criteria: GeneDx Variant Classification (06012015). Collection method: clinical testing. Allele origin: germline. Affected: yes.
Comment: This variant is considered likely benign or benign based on one or more of the following criteria: it is a conservative change, it occurs at a poorly conserved position in the protein, it is predicted to be benign by multiple in silico algorithms, and/or has population frequency not consistent with disease.

Women's Health and Genetics/Laboratory Corporation of America, LabCorp
Classification: Benign. Last evaluated: 2017-07-11. Review status: criteria provided, single submitter. Criteria: LabCorp Variant Classification Summary - May 2015. Collection method: clinical testing. Allele origin: germline.
Comment: Variant summary: The LZTR1 c.1353+8C>G variant involves the alteration of a non-conserved intronic nucleotide and 5/5 splice prediction tools predict no significant impact on normal splicing. However, these predictions have yet to be confirmed by functional studies. This variant was found in 203/112292 control chromosomes (3 homozygotes), predominantly in the East Asian cohort at a frequency of 0.024024 (197/8200). This frequency is about 4805 times the estimated maximal expected allele frequency of a pathogenic LZTR1 variant (0.000005), suggesting this is likely a benign polymorphism found primarily in population(s) of East Asian origin. The variant of interest has not, to our knowledge, been reported in affected individuals via publications and/or reputable databases/clinical diagnostic laboratories; nor evaluated for functional impact by in vivo/vitro studies. Taken together, this variant is classified as benign.

Center for Pediatric Genomic Medicine, Children's Mercy Hospital and Clinics
Classification: Likely benign. Last evaluated: 2017-05-30. Review status: criteria provided, single submitter. Criteria: ACMG Guidelines, 2015. Collection method: clinical testing. Allele origin: germline.

Breakthrough Genomics
Classification: Likely benign. Review status: criteria provided, single submitter. Criteria: ACMG Guidelines, 2015. Collection method: not provided. Allele origin: germline. Inheritance: Autosomal recessive inheritance. Affected: yes.

NM_006767.4(LZTR1):c.1353+8C>G

Gene: LZTR1 (leucine zipper like post translational regulator 1; plus strand). Cytogenetic location: 22q11.21.
Variant type: single nucleotide variant.
Coding change: c.1353+8C>G on transcript NM_006767.4 (MANE Select); 8 bases into the intron after coding-DNA position 1353, C replaced by G.
Molecular consequence: intron variant.
Genome position (GRCh38, 1-based): chr22:20,993,762, C>G. VCF-style: chr22-20993762-C-G. GRCh37 (hg19) VCF-style: chr22-21348051-C-G.
Other names: p.?.
Identifiers: ClinVar variation 445791 (VCV000445791.22), dbSNP rs75959644, ClinGen allele CA10118829.